The following is an entry in ClinVar:

ClinVar aggregate classification (germline): Uncertain significance (1 of 4 stars; one submission).

Conditions:
Dilated cardiomyopathy 1HH (CMD1HH). Identifiers: Orphanet 154, MedGen C3151293, MONDO:0013479, OMIM 613881.
Myofibrillar myopathy 6. Identifiers: Orphanet 199340, MedGen C2751831, MONDO:0013061, OMIM 612954.

Submission:

Labcorp Genetics (formerly Invitae), Labcorp
Classification: Uncertain significance for Dilated cardiomyopathy 1HH; Myofibrillar myopathy 6. Last evaluated: 2022-07-25. Review status: criteria provided, single submitter. Criteria: Invitae Variant Classification Sherloc (09022015). Collection method: clinical testing. Allele origin: germline.
Comment: In summary, the available evidence is currently insufficient to determine the role of this variant in disease. Therefore, it has been classified as a Variant of Uncertain Significance. Algorithms developed to predict the effect of missense changes on protein structure and function are either unavailable or do not agree on the potential impact of this missense change (SIFT: "Tolerated"; PolyPhen-2: "Not Available"; Align-GVGD: "Class C0"). This variant has not been reported in the literature in individuals affected with BAG3-related conditions. This variant is not present in population databases (gnomAD no frequency). This sequence change replaces glycine, which is neutral and non-polar, with alanine, which is neutral and non-polar, at codon 535 of the BAG3 protein (p.Gly535Ala).

NM_004281.4(BAG3):c.1604G>C (p.Gly535Ala)

Gene: BAG3 (BAG cochaperone 3; plus strand). Cytogenetic location: 10q26.11.
Variant type: single nucleotide variant.
Coding change: c.1604G>C on transcript NM_004281.4 (MANE Select); coding-DNA position 1604, G replaced by C.
Protein change: p.Gly535Ala; replaces glycine 535 with alanine.
Molecular consequence: missense variant.
Genome position (GRCh38, 1-based): chr10:119,677,158, G>C. VCF-style: chr10-119677158-G-C. GRCh37 (hg19) VCF-style: chr10-121436670-G-C.
Other names: short protein forms G535A.
Identifiers: ClinVar variation 1967612 (VCV001967612.5), dbSNP rs2494024691, ClinGen allele CA378297681.